The following is an entry in ClinVar:

ClinVar aggregate classification (germline): Uncertain significance (1 of 4 stars; one submission).

Submission:

GeneDx
Classification: Uncertain significance. Last evaluated: 2019-10-04. Review status: criteria provided, single submitter. Criteria: GeneDx Variant Classification Process June 2021. Collection method: clinical testing. Allele origin: germline. Affected: yes.
Comment: Not observed in large population cohorts (Lek et al., 2016); In silico analysis, which includes protein predictors and evolutionary conservation, supports a deleterious effect; Has not been previously published as pathogenic or benign to our knowledge

NM_024665.7(TBL1XR1):c.1192A>G (p.Lys398Glu)

Gene: TBL1XR1 (TBL1X/Y related 1; minus strand). Cytogenetic location: 3q26.32.
Variant type: single nucleotide variant.
Coding change: c.1192A>G on transcript NM_024665.7 (MANE Select); coding-DNA position 1192, A replaced by G.
Protein change: p.Lys398Glu; replaces lysine 398 with glutamic acid.
Molecular consequence: missense variant.
Genome position (GRCh38, 1-based): chr3:177,034,256, T>C on the plus strand (A>G on the coding strand, the complement: TBL1XR1 is on the minus strand). VCF-style: chr3-177034256-T-C. GRCh37 (hg19) VCF-style: chr3-176752044-T-C.
Other names: c.1192A>G, p.Lys398Glu (NM_001321193.3, NM_001321194.3, NM_001374327.1 and 2 more transcripts); c.931A>G, p.Lys311Glu (NM_001321195.3, NM_001374330.1); short protein forms K311E, K398E.
Identifiers: ClinVar variation 1304910 (VCV001304910.2), dbSNP rs2108414274, ClinGen allele CA355554695.
Genomic context (GRCh38, chr3:177,034,256, plus strand): 5'-ACCTTGCTAACATAAGGTTGGCATTTGGATTATTAGTCCCTGGTCCTGTTGGACTCCATT[T>C]GATAGTATAAATTTCTTTATTATGTGCTTGCAAATCATGGACACAATTGTCTTGTTTCAT-3'
Protein context (NP_078941.2, residues 388-408): QAHNKEIYTI[Lys398Glu]WSPTGPGTNN